The following is an entry in ClinVar:

ClinVar aggregate classification (germline): Conflicting classifications of pathogenicity. Review status: criteria provided, conflicting classifications (1 of 4 stars). 5 submissions from 5 submitters: Uncertain significance (1); Benign (1); Likely benign (3). Last evaluated 2026-01-07.

Conditions:
PLEC-related disorder. Also called: PLEC-related condition; PLEC-related disorders.
Epidermolysis bullosa simplex 5B, with muscular dystrophy (EBS5B). Also called: EPIDERMOLYSIS BULLOSA SIMPLEX AND LIMB-GIRDLE MUSCULAR DYSTROPHY; Epidermolysis bullosa simplex with muscular dystrophy. Identifiers: Orphanet 257, MedGen C2931072, MONDO:0009181, OMIM 226670.
Epidermolysis bullosa simplex, Ogna type (EBS5A). Also called: Pidermolysis bullosa simplex 5A, Ogna type; EPIDERMOLYSIS BULLOSA SIMPLEX 5A, OGNA TYPE. Identifiers: Orphanet 79401, MedGen C0432317, MONDO:0007555, OMIM 131950.
Autosomal recessive limb-girdle muscular dystrophy type 2Q (LGMDR17). Also called: MUSCULAR DYSTROPHY, LIMB-GIRDLE, AUTOSOMAL RECESSIVE 17. Identifiers: Orphanet 254361, MedGen C3150989, MONDO:0013390, OMIM 613723.
Epidermolysis bullosa simplex with nail dystrophy (EBS5D). Identifiers: MedGen C4225309, MONDO:0014661, OMIM 616487.
Epidermolysis bullosa simplex 5C, with pyloric atresia (EBS5C). Also called: PLEC-Related Epidermolysis Bullosa with Pyloric Atresia; Epidermolysis bullosa simplex with pyloric atresia; PLEC1-Related Epidermolysis Bullosa with Pyloric Atresia. Identifiers: Orphanet 158684, MedGen C2677349, MONDO:0012807, OMIM 612138.

Allele frequency attached by ClinVar (database versions not stated): gnomAD 0.00030 and 0.00032; ExAC 0.00034; 1000 Genomes Project 0.00040; ESP Exome Variant Server 0.00008; TOPMed 0.00026.
gnomAD v4.1: 524 of 1,606,086 alleles (0.033%); highest among the groups gnomAD compares: Admixed American, 0.043%; no homozygotes.

Submissions (5):

Labcorp Genetics (formerly Invitae), Labcorp
Classification: Likely benign for Autosomal recessive limb-girdle muscular dystrophy type 2Q; Epidermolysis bullosa simplex, Ogna type; Epidermolysis bullosa simplex with nail dystrophy; Epidermolysis bullosa simplex 5C, with pyloric atresia; Epidermolysis bullosa simplex 5B, with muscular dystrophy. Last evaluated: 2026-01-07. Review status: criteria provided, single submitter. Criteria: Invitae Variant Classification Sherloc (09022015). Collection method: clinical testing. Allele origin: germline.

PreventionGenetics, part of Exact Sciences
Classification: Likely benign for PLEC-related condition. Last evaluated: 2025-06-08. Review status: criteria provided, single submitter. Criteria: ACMG Guidelines, 2015. Collection method: clinical testing. Allele origin: germline.
Comment: This variant is classified as likely benign based on ACMG/AMP sequence variant interpretation guidelines (Richards et al. 2015 PMID: 25741868, with internal and published modifications).

Blueprint Genetics
Classification: Likely benign. Last evaluated: 2024-11-15. Review status: criteria provided, single submitter. Criteria: ACMG Guidelines, 2015. Collection method: clinical testing. Allele origin: germline.

Athena Diagnostics
Classification: Benign. Last evaluated: 2019-12-31. Review status: criteria provided, single submitter. Criteria: Athena Diagnostics Criteria. Collection method: clinical testing. Allele origin: unknown.

Eurofins Ntd Llc (ga)
Classification: Uncertain significance. Last evaluated: 2014-12-01. Review status: criteria provided, single submitter. Criteria: EGL Classification Definitions 2015. Collection method: clinical testing. Allele origin: germline. Observed: 3 variant alleles, 3 heterozygotes.

NM_201384.3(PLEC):c.174+10G>A

Gene: PLEC (plectin; minus strand). Cytogenetic location: 8q24.3.
Variant type: single nucleotide variant.
Coding change: c.174+10G>A on transcript NM_201384.3 (MANE Select); 10 bases into the intron after coding-DNA position 174, G replaced by A.
Molecular consequence: intron variant.
Genome position (GRCh38, 1-based): chr8:143,938,621, C>T on the plus strand (G>A on the coding strand, the complement: PLEC is on the minus strand). VCF-style: chr8-143938621-C-T. GRCh37 (hg19) VCF-style: chr8-145012789-C-T.
Other names: c.255+10G>A (NM_000445.5); c.132+10G>A (NM_201378.4); c.108+10G>A (NM_201379.3); c.585+10G>A (NM_201380.4); c.78+10G>A (NM_201381.3); c.174+10G>A (NM_201382.4); c.186+10G>A (NM_201383.3).
Identifiers: ClinVar variation 196274 (VCV000196274.16), dbSNP rs181850748, ClinGen allele CA243174.
Genomic context (GRCh38, chr8:143,938,621, plus strand): 5'-AGGGGCCACCCTCCCTCAGCGCCTCCCACAGCCTCAGCCCCTGTGACACGCACCAGCATG[C>T]GCCACCAACCTTGATGAGGTGCTTGTTGACCCACTTGGTGAAGGTTTTCTTCTGCACACG-3'